The following is an entry in ClinVar:

NM_020442.6(VARS2):c.2339C>T (p.Ala780Val)

Genes: VARS2 (valyl-tRNA synthetase 2, mitochondrial; plus strand), LOC126859646 (MED14-independent group 3 enhancer GRCh37_chr6:30889690-30890889; plus strand). Cytogenetic location: 6p21.33.
Variant type: single nucleotide variant.
Coding change: c.2339C>T on transcript NM_020442.6 (MANE Select); coding-DNA position 2339, C replaced by T.
Protein change: p.Ala780Val; replaces alanine 780 with valine.
Molecular consequence: missense variant.
Genome position (GRCh38, 1-based): chr6:30,923,378, C>T. VCF-style: chr6-30923378-C-T. GRCh37 (hg19) VCF-style: chr6-30891155-C-T.
Other names: p.Ala810Val; c.1919C>T, p.Ala640Val (NM_001167733.3); c.2429C>T, p.Ala810Val (NM_001167734.2); short protein forms A640V, A780V, A810V.
Identifiers: ClinVar variation 3379639 (VCV003379639.1).

ClinVar aggregate classification (germline): Uncertain significance (1 of 4 stars; one submission).

gnomAD v4.1: 62 of 1,611,536 alleles (0.0038%); highest among the groups gnomAD compares: Non-Finnish European, 0.005%; no homozygotes.

Submission:

Mayo Clinic Laboratories, Mayo Clinic
Classification: Uncertain significance. Last evaluated: 2023-12-27. Review status: criteria provided, single submitter. Criteria: ACMG Guidelines, 2015. Collection method: clinical testing. Allele origin: germline. Observed: 1 variant allele.
Comment: BP4, PM2_moderate